The following is an entry in ClinVar:

ClinVar aggregate classification (germline): Uncertain significance (1 of 4 stars; one submission).

Conditions:
Microcephaly, normal intelligence and immunodeficiency (NBS). Also called: BERLIN BREAKAGE SYNDROME; Immunodeficiency, microcephaly with normal intelligence; Ataxia telangiectasia variant V1; Nijmegen breakage syndrome; Microcephaly with normal intelligence immunodeficiency and lymphoreticular malignancies; Nonsyndromal microcephaly autosomal recessive with normal intelligence. Identifiers: Orphanet 647, MedGen C0398791, MONDO:0009623, OMIM 251260.

Allele frequency attached by ClinVar (database versions not stated): gnomAD exomes below 0.00001.
gnomAD v4.1: 1 of 1,614,040 alleles (0.000062%); highest among the groups gnomAD compares: Non-Finnish European, 0.000085%; no homozygotes.

Submission:

Labcorp Genetics (formerly Invitae), Labcorp
Classification: Uncertain significance for Microcephaly, normal intelligence and immunodeficiency. Last evaluated: 2021-06-17. Review status: criteria provided, single submitter. Criteria: Invitae Variant Classification Sherloc (09022015). Collection method: clinical testing. Allele origin: germline.
Comment: Algorithms developed to predict the effect of sequence changes on RNA splicing suggest that this variant may create or strengthen a splice site, but this prediction has not been confirmed by published transcriptional studies. In summary, the available evidence is currently insufficient to determine the role of this variant in disease. Therefore, it has been classified as a Variant of Uncertain Significance. Algorithms developed to predict the effect of missense changes on protein structure and function (SIFT, PolyPhen-2, Align-GVGD) all suggest that this variant is likely to be tolerated, but these predictions have not been confirmed by published functional studies and their clinical significance is uncertain. This variant has not been reported in the literature in individuals with NBN-related disease. This variant is not present in population databases (ExAC no frequency). This sequence change replaces aspartic acid with glycine at codon 373 of the NBN protein (p.Asp373Gly). The aspartic acid residue is moderately conserved and there is a moderate physicochemical difference between aspartic acid and glycine.

NM_002485.5(NBN):c.1118A>G (p.Asp373Gly)

Gene: NBN (nibrin; minus strand). Cytogenetic location: 8q21.3.
Variant type: single nucleotide variant.
Coding change: c.1118A>G on transcript NM_002485.5 (MANE Select); coding-DNA position 1118, A replaced by G.
Protein change: p.Asp373Gly; replaces aspartic acid 373 with glycine.
Molecular consequence: missense variant.
Genome position (GRCh38, 1-based): chr8:89,958,731, T>C on the plus strand (A>G on the coding strand, the complement: NBN is on the minus strand). VCF-style: chr8-89958731-T-C. GRCh37 (hg19) VCF-style: chr8-90970959-T-C.
Other names: c.872A>G, p.Asp291Gly (NM_001024688.3); short protein forms D373G, D291G.
Identifiers: ClinVar variation 574388 (VCV000574388.8), dbSNP rs1563538492, ClinGen allele CA371656571.
Genomic context (GRCh38, chr8:89,958,731, plus strand): 5'-CTATTAATTTATTGATAGAATAATAACAATAGTACGGTAATGAAGAAGCTTTACCATGTA[T>C]CTGCTTGCTCTGATTCTGTGTCAGCTACGTATGTTGTAGTGTTCACTGGGGCGCTTGGCA-3'
Protein context (NP_002476.2, residues 363-383): YVADTESEQA[Asp373Gly]TWDLSERPKE